The following is an entry in ClinVar:

NM_003995.4(NPR2):c.11C>T (p.Pro4Leu)

Gene: NPR2 (natriuretic peptide receptor 2; plus strand). Cytogenetic location: 9p13.3.
Variant type: single nucleotide variant.
Coding change: c.11C>T on transcript NM_003995.4 (MANE Select); coding-DNA position 11, C replaced by T.
Protein change: p.Pro4Leu; replaces proline 4 with leucine.
Molecular consequence: missense variant.
Genome position (GRCh38, 1-based): chr9:35,792,419, C>T. VCF-style: chr9-35792419-C-T. GRCh37 (hg19) VCF-style: chr9-35792416-C-T.
Other names: c.11C>T, p.Pro4Leu (NM_001378923.1); short protein forms P4L.
Identifiers: ClinVar variation 1980637 (VCV001980637.4), dbSNP rs985571248, ClinGen allele CA192760500.

ClinVar aggregate classification (germline): Uncertain significance (1 of 4 stars; one submission).

Conditions:
Acromesomelic dysplasia 1, Maroteaux type (AMD1). Also called: ACROMESOMELIC DYSPLASIA 1; ST. HELENA DYSPLASIA. Identifiers: Orphanet 40, MedGen C1864356, MONDO:0011275, OMIM 602875.
Tall stature-scoliosis-macrodactyly of the great toes syndrome. Also called: Epiphyseal chondrodysplasia, miura type. Identifiers: Orphanet 329191, MedGen C4014690, MONDO:0014401, OMIM 615923.

Allele frequency attached by ClinVar (database versions not stated): gnomAD 0.00001; TOPMed 0.00002.
gnomAD v4.1: 2 of 1,611,274 alleles (0.00012%); highest among the groups gnomAD compares: African/African-American, 0.0027%; no homozygotes.

Submission:

Labcorp Genetics (formerly Invitae), Labcorp
Classification: Uncertain significance for Tall stature-scoliosis-macrodactyly of the great toes syndrome; Acromesomelic dysplasia 1, Maroteaux type. Last evaluated: 2022-07-17. Review status: criteria provided, single submitter. Criteria: Invitae Variant Classification Sherloc (09022015). Collection method: clinical testing. Allele origin: germline.
Comment: In summary, the available evidence is currently insufficient to determine the role of this variant in disease. Therefore, it has been classified as a Variant of Uncertain Significance. Algorithms developed to predict the effect of missense changes on protein structure and function are either unavailable or do not agree on the potential impact of this missense change (SIFT: "Deleterious"; PolyPhen-2: "Not Available"; Align-GVGD: "Class C0"). This variant has not been reported in the literature in individuals affected with NPR2-related conditions. This variant is not present in population databases (gnomAD no frequency). This sequence change replaces proline, which is neutral and non-polar, with leucine, which is neutral and non-polar, at codon 4 of the NPR2 protein (p.Pro4Leu).